The following is an entry in ClinVar:

NM_001159699.2(FHL1):c.834G>T (p.Lys278Asn)

Gene: FHL1 (four and a half LIM domains 1; plus strand). Cytogenetic location: Xq26.3.
Variant type: single nucleotide variant.
Coding change: c.834G>T on transcript NM_001159699.2 (MANE Select); coding-DNA position 834, G replaced by T.
Protein change: p.Lys278Asn; replaces lysine 278 with asparagine.
Molecular consequence: missense variant. On other transcripts: non-coding transcript variant (1), 3 prime UTR variant (6).
Genome position (GRCh38, 1-based): chrX:136,209,968, G>T. VCF-style: chrX-136209968-G-T. GRCh37 (hg19) VCF-style: chrX-135292127-G-T.
Other names: c.786G>T, p.Lys262Asn (NM_001449.5, NM_001159700.2, NM_001159704.1 and 4 more transcripts); c.873G>T, p.Lys291Asn (NM_001159701.2); c.*14G>T (NM_001159702.3, NM_001159703.2, NM_001330659.2 and 3 more transcripts); short protein forms K262N, K278N, K291N.
Identifiers: ClinVar variation 3618586 (VCV003618586.2).

ClinVar aggregate classification (germline): Uncertain significance (1 of 4 stars; one submission).

Conditions:
X-linked myopathy with postural muscle atrophy. Also called: FHL1-Related Emery-Dreifuss Muscular Dystrophy, X-Linked. Identifiers: Orphanet 178461, MedGen C2678055, MONDO:0010401, OMIM 300696.

Submission:

Labcorp Genetics (formerly Invitae), Labcorp
Classification: Uncertain significance for X-linked myopathy with postural muscle atrophy. Last evaluated: 2024-04-08. Review status: criteria provided, single submitter. Criteria: Invitae Variant Classification Sherloc (09022015). Collection method: clinical testing. Allele origin: germline.
Comment: This sequence change replaces lysine, which is basic and polar, with asparagine, which is neutral and polar, at codon 262 of the FHL1 protein (p.Lys262Asn). This variant is not present in population databases (gnomAD no frequency). This variant has not been reported in the literature in individuals affected with FHL1-related conditions. An algorithm developed to predict the effect of missense changes on protein structure and function (PolyPhen-2) suggests that this variant is likely to be disruptive. In summary, the available evidence is currently insufficient to determine the role of this variant in disease. Therefore, it has been classified as a Variant of Uncertain Significance.